The following is an entry in ClinVar:

ClinVar aggregate classification (germline): Uncertain significance (1 of 4 stars; one submission).

Conditions:
Short-rib thoracic dysplasia 10 with or without polydactyly (SRTD10). Identifiers: Orphanet 474, MedGen C3810175, MONDO:0014284, OMIM 615630.
Retinitis pigmentosa 71 (RP71). Identifiers: Orphanet 791, MedGen C4225342, MONDO:0014618, OMIM 616394.

Submission:

Labcorp Genetics (formerly Invitae), Labcorp
Classification: Uncertain significance for Retinitis pigmentosa 71; Short-rib thoracic dysplasia 10 with or without polydactyly. Last evaluated: 2021-02-28. Review status: criteria provided, single submitter. Criteria: Invitae Variant Classification Sherloc (09022015). Collection method: clinical testing. Allele origin: germline.
Comment: This variant, c.5207_5209del, is a complex sequence change that results in the insertion of one amino acid and the deletion of two amino acids in the IFT172 protein (p.Gln1736_Trp1737delinsArg). This variant is not present in population databases (ExAC no frequency). This variant has not been reported in the literature in individuals with IFT172-related conditions. Experimental studies and prediction algorithms are not available or were not evaluated, and the functional significance of this variant is currently unknown. In summary, the available evidence is currently insufficient to determine the role of this variant in disease. Therefore, it has been classified as a Variant of Uncertain Significance.

NM_015662.3(IFT172):c.5207_5209del (p.Gln1736_Trp1737delinsArg)

Genes: IFT172 (intraflagellar transport 172; minus strand), KRTCAP3 (keratinocyte associated protein 3; plus strand). Cytogenetic location: 2p23.3.
Variant type: Deletion.
Coding change: c.5207_5209del on transcript NM_015662.3 (MANE Select); coding-DNA positions 5207 to 5209, 3 bases deleted (AGT; older notation c.5207_5209delAGT).
Protein change: p.Gln1736_Trp1737delinsArg.
Molecular consequence: inframe indel. On other transcripts: intron variant (1).
Genome position (GRCh38, 1-based): chr2:27,444,473-27,444,475, ACT deleted on the plus strand (AGT on the coding strand, the reverse complement: IFT172 is on the minus strand). VCF-style (leftmost placement, unchanged base first): chr2-27444472-CACT-C. GRCh37 (hg19) VCF-style: chr2-27667339-CACT-C.
Other names: c.*5+412_*5+414del (NM_001168364.2); c.5141_5143del, p.Gln1714_Trp1715delinsArg (NM_001410739.1).
Identifiers: ClinVar variation 1508418 (VCV001508418.9), dbSNP rs2148462684, ClinGen allele CA2573134432.